The following is an entry in ClinVar:

NM_001792.5(CDH2):c.1742-2A>G

Gene: CDH2 (cadherin 2; minus strand). Cytogenetic location: 18q12.1.
Variant type: single nucleotide variant.
Coding change: c.1742-2A>G on transcript NM_001792.5 (MANE Select); the canonical splice acceptor site of the intron before coding-DNA position 1742, A replaced by G.
Molecular consequence: splice acceptor variant.
Genome position (GRCh38, 1-based): chr18:27,985,763, T>C on the plus strand (A>G on the coding strand, the complement: CDH2 is on the minus strand). VCF-style: chr18-27985763-T-C. GRCh37 (hg19) VCF-style: chr18-25565727-T-C.
Other names: c.1649-2A>G (NM_001308176.2).
Identifiers: ClinVar variation 4884199 (VCV004884199.2).

ClinVar aggregate classification (germline): Likely pathogenic (1 of 4 stars; one submission).

Conditions:
Agenesis of corpus callosum, cardiac, ocular, and genital syndrome. Identifiers: MedGen C5394523, MONDO:0030065, OMIM 618929.

Submission:

Dasa
Classification: Likely pathogenic for Agenesis of corpus callosum, cardiac, ocular, and genital syndrome. Last evaluated: 2025-12-17. Review status: criteria provided, single submitter. Criteria: DASA Assertion Criteria. Collection method: clinical testing. Allele origin: germline.
Comment: NM_001792.5(CDH2):c.1742-2A>G affects a canonical splice site and is predicted to disrupt normal RNA splicing. Loss of function is an established disease mechanism for CDH2-associated disorders. Also, this variant is absent from population databases. Based on the currently available evidence, this variant is classified as likely pathogenic.